The following is an entry in ClinVar:

ClinVar aggregate classification (germline): Pathogenic (1 of 4 stars; one submission).

Conditions:
Early-infantile DEE. Also called: Ohtahara syndrome; Early infantile epileptic encephalopathy with suppression bursts; Early infantile epileptic encephalopathy. Identifiers: Orphanet 1934, MedGen C0393706, MONDO:0800491.

Submission:

Labcorp Genetics (formerly Invitae), Labcorp
Classification: Pathogenic for Early-infantile DEE. Last evaluated: 2026-01-12. Review status: criteria provided, single submitter. Criteria: Invitae Variant Classification Sherloc (09022015). Collection method: clinical testing. Allele origin: germline.
Comment: This sequence change replaces leucine, which is neutral and non-polar, with proline, which is neutral and non-polar, at codon 245 of the KCNQ2 protein (p.Leu245Pro). This variant is not present in population databases (gnomAD no frequency). This missense change has been observed in individual(s) with clinical features of early infantile epileptic encephalopathy (internal data). In at least one individual the variant was observed to be de novo. ClinVar contains an entry for this variant (Variation ID: 1074752). Invitae Evidence Modeling of protein sequence and biophysical properties (such as structural, functional, and spatial information, amino acid conservation, physicochemical variation, residue mobility, and thermodynamic stability) indicates that this missense variant is expected to disrupt KCNQ2 protein function with a positive predictive value of 95%. For these reasons, this variant has been classified as Pathogenic.

NM_172107.4(KCNQ2):c.734T>C (p.Leu245Pro)

Gene: KCNQ2 (potassium voltage-gated channel subfamily Q member 2; minus strand). Cytogenetic location: 20q13.33.
Variant type: single nucleotide variant.
Coding change: c.734T>C on transcript NM_172107.4 (MANE Select); coding-DNA position 734, T replaced by C.
Protein change: p.Leu245Pro; replaces leucine 245 with proline.
Molecular consequence: missense variant.
Genome position (GRCh38, 1-based): chr20:63,442,488, A>G on the plus strand (T>C on the coding strand, the complement: KCNQ2 is on the minus strand). VCF-style: chr20-63442488-A-G. GRCh37 (hg19) VCF-style: chr20-62073841-A-G.
Other names: c.734T>C, p.Leu245Pro (NM_001382235.1, NM_004518.6, NM_172106.3 and 2 more transcripts); short protein forms L245P.
Identifiers: ClinVar variation 1074752 (VCV001074752.10), dbSNP rs2145736248, ClinGen allele CA409653959.